The following is an entry in ClinVar:

ClinVar aggregate classification (germline): Likely benign. Review status: criteria provided, multiple submitters, no conflicts (2 of 4 stars). 2 submissions from 2 submitters: Likely benign (2). Last evaluated 2025-06-17.

Conditions:
GPSM2-related disorder. Also called: GPSM2-related condition; GPSM2-related disorders.

Allele frequency attached by ClinVar (database versions not stated): gnomAD 0.00001; gnomAD exomes 0.00001; TOPMed 0.00002.
gnomAD v4.1: 9 of 1,612,966 alleles (0.00056%); highest among the groups gnomAD compares: African/African-American, 0.0027%; no homozygotes.

Submissions (2):

PreventionGenetics, part of Exact Sciences
Classification: Likely benign for GPSM2-related condition. Last evaluated: 2025-06-17. Review status: criteria provided, single submitter. Criteria: ACMG Guidelines, 2015. Collection method: clinical testing. Allele origin: germline.
Comment: This variant is classified as likely benign based on ACMG/AMP sequence variant interpretation guidelines (Richards et al. 2015 PMID: 25741868, with internal and published modifications).

Laboratory for Molecular Medicine, Mass General Brigham Personalized Medicine
Classification: Likely benign. Last evaluated: 2016-06-28. Review status: criteria provided, single submitter. Criteria: LMM Criteria. Collection method: clinical testing. Allele origin: germline. Observed: 1 variant allele.
Comment: p.Pro624Pro in exon 15 of GPSM2: This variant is not expected to have clinical s ignificance because it does not alter an amino acid residue and is not located w ithin the splice consensus sequence.

NM_013296.5(GPSM2):c.1872G>A (p.Pro624=)

Genes: CLCC1 (chloride channel CLIC like 1; minus strand), GPSM2 (G protein signaling modulator 2; plus strand). Cytogenetic location: 1p13.3.
Variant type: single nucleotide variant.
Coding change: c.1872G>A on transcript NM_013296.5 (MANE Select); coding-DNA position 1872, G replaced by A.
Protein change: p.Pro624=; no amino-acid change (proline 624 retained).
Molecular consequence: synonymous variant. On other transcripts: 3 prime UTR variant (17), non-coding transcript variant (1).
Genome position (GRCh38, 1-based): chr1:108,929,757, G>A. VCF-style: chr1-108929757-G-A. GRCh37 (hg19) VCF-style: chr1-109472379-G-A.
Other names: c.*2790C>T (NM_001048210.3, NM_001278202.2, NM_001278203.1 and 10 more transcripts); c.*2795C>T (NM_001377459.1, NM_001377460.1, NM_001377462.1 and 1 more transcripts); c.1872G>A, p.Pro624= (NM_001321038.2, NM_001321039.3).
Identifiers: ClinVar variation 505173 (VCV000505173.5), dbSNP rs1209872502, ClinGen allele CA419671766.